The following is an entry in ClinVar:

ClinVar aggregate classification (germline): Pathogenic (1 of 4 stars; one submission).

Conditions:
PERCHING syndrome (PERCHING). Also called: Cold-induced sweating syndrome 3. Identifiers: Orphanet 157820, Orphanet 603684, MedGen C4310742, MONDO:0014890, OMIM 617055.

Submission:

Baylor Genetics
Classification: Pathogenic for PERCHING syndrome. Last evaluated: 2020-05-05. Review status: criteria provided, single submitter. Criteria: ACMG Guidelines, 2015. Collection method: clinical testing. Allele origin: unknown. Affected: yes.
Comment: This variant was determined to be pathogenic according to ACMG Guidelines, 2015 [PMID:25741868].

NM_001031710.3(KLHL7):c.807C>A (p.Tyr269Ter)

Gene: KLHL7 (kelch like family member 7; plus strand). Cytogenetic location: 7p15.3.
Variant type: single nucleotide variant.
Coding change: c.807C>A on transcript NM_001031710.3 (MANE Select); coding-DNA position 807, C replaced by A.
Protein change: p.Tyr269Ter; replaces tyrosine 269 with a stop codon.
Molecular consequence: nonsense. On other transcripts: non-coding transcript variant (1).
Genome position (GRCh38, 1-based): chr7:23,152,080, C>A. VCF-style: chr7-23152080-C-A. GRCh37 (hg19) VCF-style: chr7-23191699-C-A.
Other names: c.663C>A, p.Tyr221Ter (NM_018846.5); short protein forms Y269*, Y221*.
Identifiers: ClinVar variation 1030980 (VCV001030980.1), dbSNP rs1784553913, ClinGen allele CA366979536.